The following is an entry in ClinVar:

NM_018429.3(BDP1):c.4060A>T (p.Asn1354Tyr)

Gene: BDP1 (BDP1 general transcription factor IIIB subunit; plus strand). Cytogenetic location: 5q13.2.
Variant type: single nucleotide variant.
Coding change: c.4060A>T on transcript NM_018429.3 (MANE Select); coding-DNA position 4060, A replaced by T.
Protein change: p.Asn1354Tyr; replaces asparagine 1354 with tyrosine.
Molecular consequence: missense variant.
Genome position (GRCh38, 1-based): chr5:71,512,241, A>T. VCF-style: chr5-71512241-A-T. GRCh37 (hg19) VCF-style: chr5-70808068-A-T.
Other names: short protein forms N1354Y.
Identifiers: ClinVar variation 4980155 (VCV004980155.1).

ClinVar aggregate classification (germline): Uncertain significance (1 of 4 stars; one submission).

Conditions:
BDP1-related disorder. Also called: BDP1-related condition.

gnomAD v4.1: 60 of 1,459,252 alleles (0.0041%); highest among the groups gnomAD compares: African/African-American, 0.061%; no homozygotes.

Submission:

PreventionGenetics, part of Exact Sciences
Classification: Uncertain significance for BDP1-related condition. Last evaluated: 2025-03-22. Review status: criteria provided, single submitter. Criteria: ACMG Guidelines, 2015. Collection method: clinical testing. Allele origin: germline.
Comment: The BDP1 c.4060A>T variant is predicted to result in the amino acid substitution p.Asn1354Tyr. To our knowledge, this variant has not been reported in the literature. This variant is reported in 0.037% of alleles in individuals of African descent in gnomAD. At this time, the clinical significance of this variant is uncertain due to the absence of conclusive functional and genetic evidence.